The following is an entry in ClinVar:

NM_000051.4(ATM):c.3077G>C (p.Trp1026Ser)

Gene: ATM (ATM serine/threonine kinase; plus strand). Cytogenetic location: 11q22.3.
Variant type: single nucleotide variant.
Coding change: c.3077G>C on transcript NM_000051.4 (MANE Select); coding-DNA position 3077, G replaced by C.
Protein change: p.Trp1026Ser; replaces tryptophan 1026 with serine.
Molecular consequence: missense variant.
Genome position (GRCh38, 1-based): chr11:108,271,406, G>C. VCF-style: chr11-108271406-G-C. GRCh37 (hg19) VCF-style: chr11-108142133-G-C.
Other names: c.3077G>C (NM_000051.3); c.3077G>C, p.Trp1026Ser (NM_001351834.2); short protein forms W1026S.
Identifiers: ClinVar variation 1498374 (VCV001498374.9), dbSNP rs587782103, ClinGen allele CA382547715.

ClinVar aggregate classification (germline): Uncertain significance. Review status: criteria provided, multiple submitters, no conflicts (2 of 4 stars). 2 submissions from 2 submitters: Uncertain significance (2). Last evaluated 2025-03-28.

Conditions:
Hereditary cancer-predisposing syndrome. Also called: Tumor predisposition; Hereditary neoplastic syndrome; Neoplastic Syndromes, Hereditary; Hereditary Cancer Syndrome. Identifiers: Orphanet 140162, MedGen C0027672, MeSH D009386, MONDO:0015356.
Ataxia-telangiectasia syndrome (AT). Also called: Cerebello-oculocutaneous telangiectasia; Immunodeficiency with ataxia telangiectasia; AT, COMPLEMENTATION GROUP C; ATAXIA-TELANGIECTASIA, COMPLEMENTATION GROUP A; ATAXIA-TELANGIECTASIA, FRESNO VARIANT; LOUIS-BAR SYNDROME. Identifiers: Orphanet 100, MedGen C0004135, MONDO:0008840, OMIM 208900.

Submissions (2):

Ambry Genetics
Classification: Uncertain significance for Hereditary cancer-predisposing syndrome. Last evaluated: 2025-03-28. Review status: criteria provided, single submitter. Criteria: Ambry Variant Classification Scheme 2023. Collection method: clinical testing. Allele origin: germline.
Comment: The c.3077G>C variant (also known as p.W1026S), located in coding exon 19 of the ATM gene, results from a G to C substitution at nucleotide position 3077. The amino acid change results in tryptophan to serine at codon 1026, an amino acid with highly dissimilar properties. However, this change occurs in the last base pair of coding exon 19, which makes it likely to have some effect on normal mRNA splicing. This nucleotide position is highly conserved in available vertebrate species. In silico splice site analysis predicts that this alteration may weaken the native splice donor site and will result in the creation or strengthening of a novel splice donor site. RNA studies have demonstrated that this alteration results in a splice defect; the clinical impact of this abnormal splicing is unknown at this time (Ambry internal data). Based on the available evidence, the clinical significance of this variant remains unclear.

Labcorp Genetics (formerly Invitae), Labcorp
Classification: Uncertain significance for Ataxia-telangiectasia syndrome. Last evaluated: 2021-06-15. Review status: criteria provided, single submitter. Criteria: Invitae Variant Classification Sherloc (09022015). Collection method: clinical testing. Allele origin: germline.
Comment: This sequence change replaces tryptophan with serine at codon 1026 of the ATM protein (p.Trp1026Ser). The tryptophan residue is highly conserved and there is a large physicochemical difference between tryptophan and serine. This variant also falls at the last nucleotide of exon 20, which is part of the consensus splice site for this exon. This variant is not present in population databases (ExAC no frequency). This variant has not been reported in the literature in individuals with ATM-related conditions. Algorithms developed to predict the effect of missense changes on protein structure and function are either unavailable or do not agree on the potential impact of this missense change (SIFT: "Deleterious"; PolyPhen-2: "Benign"; Align-GVGD: "Class C0"). Nucleotide substitutions within the consensus splice site are a relatively common cause of aberrant splicing (PMID: 17576681, 9536098). Algorithms developed to predict the effect of sequence changes on RNA splicing suggest that this variant may disrupt the consensus splice site, but this prediction has not been confirmed by published transcriptional studies. In summary, the available evidence is currently insufficient to determine the role of this variant in disease. Therefore, it has been classified as a Variant of Uncertain Significance.

Literature cited by the submitters: PubMed 17576681 (cited by Labcorp Genetics (formerly Invitae), Labcorp); PubMed 9536098 (cited by Labcorp Genetics (formerly Invitae), Labcorp).